The following is an entry in ClinVar:

NM_003105.6(SORL1):c.832T>C (p.Phe278Leu)

Gene: SORL1 (sortilin related receptor 1; plus strand). Cytogenetic location: 11q24.1.
Variant type: single nucleotide variant.
Coding change: c.832T>C on transcript NM_003105.6 (MANE Select); coding-DNA position 832, T replaced by C.
Protein change: p.Phe278Leu; replaces phenylalanine 278 with leucine.
Molecular consequence: missense variant.
Genome position (GRCh38, 1-based): chr11:121,496,942, T>C. VCF-style: chr11-121496942-T-C. GRCh37 (hg19) VCF-style: chr11-121367651-T-C.
Other names: short protein forms F278L.
Identifiers: ClinVar variation 3654931 (VCV003654931.2).

ClinVar aggregate classification (germline): Uncertain significance (1 of 4 stars; one submission).

Submission:

Labcorp Genetics (formerly Invitae), Labcorp
Classification: Uncertain significance. Last evaluated: 2024-09-19. Review status: criteria provided, single submitter. Criteria: Invitae Variant Classification Sherloc (09022015). Collection method: clinical testing. Allele origin: germline.
Comment: This sequence change replaces phenylalanine, which is neutral and non-polar, with leucine, which is neutral and non-polar, at codon 278 of the SORL1 protein (p.Phe278Leu). This variant is not present in population databases (gnomAD no frequency). This variant has not been reported in the literature in individuals affected with SORL1-related conditions. An algorithm developed to predict the effect of missense changes on protein structure and function outputs the following: PolyPhen-2: "Benign". The leucine amino acid residue is found in multiple mammalian species, which suggests that this missense change does not adversely affect protein function. In summary, the available evidence is currently insufficient to determine the role of this variant in disease. Therefore, it has been classified as a Variant of Uncertain Significance.